The following is an entry in ClinVar:

ClinVar aggregate classification (germline): Likely pathogenic (1 of 4 stars; one submission).

Conditions:
Cognitive impairment with or without cerebellar ataxia (CIAT). Identifiers: MedGen C3280415, MONDO:0013680, OMIM 614306.

Submission:

Institute of Human Genetics, University of Leipzig Medical Center
Classification: Likely pathogenic for Cognitive impairment with or without cerebellar ataxia. Last evaluated: 2022-08-08. Review status: criteria provided, single submitter. Criteria: ACMG Guidelines, 2015. Collection method: clinical testing. Allele origin: unknown. Affected: yes.
Comment: _x000D_ Criteria applied: PVS1, PM2_SUP

NM_001330260.2(SCN8A):c.3942+1387_4135del

Gene: SCN8A (sodium voltage-gated channel alpha subunit 8; plus strand). Cytogenetic location: 12q13.13.
Variant type: Deletion.
Coding change: c.3942+1387_4135del on transcript NM_001330260.2 (MANE Select); 1387 bases into the intron after coding-DNA position 3942 through coding-DNA position 4135, 4,577 bases deleted.
Molecular consequence: splice acceptor variant.
Genome position (GRCh38, 1-based): chr12:51,782,158-51,786,734, 4,577 bases deleted. GRCh37 (hg19): chr12:52,175,942-52,180,518.
Other names: c.3942+1387_4135del (NM_014191.4); c.3820-4384_4012del (NM_001177984.3, NM_001369788.1).
Identifiers: ClinVar variation 1707506 (VCV001707506.1), ClinGen allele CA2580086413.